The following is an entry in ClinVar:

NM_002693.3(POLG):c.1116G>C (p.Glu372Asp)

Gene: POLG (DNA polymerase gamma, catalytic subunit; minus strand). Cytogenetic location: 15q26.1.
Variant type: single nucleotide variant.
Coding change: c.1116G>C on transcript NM_002693.3 (MANE Select); coding-DNA position 1116, G replaced by C.
Protein change: p.Glu372Asp; replaces glutamic acid 372 with aspartic acid.
Molecular consequence: missense variant.
Genome position (GRCh38, 1-based): chr15:89,328,739, C>G on the plus strand (G>C on the coding strand, the complement: POLG is on the minus strand). VCF-style: chr15-89328739-C-G. GRCh37 (hg19) VCF-style: chr15-89871970-C-G.
Other names: c.1116G>C, p.Glu372Asp (NM_001126131.2); short protein forms E372D.
Identifiers: ClinVar variation 2630525 (VCV002630525.4), dbSNP rs1462568057, ClinGen allele CA393764850.
Genomic context (GRCh38, chr15:89,328,739, plus strand): 5'-CCATACCTGGAAGTTCTCACGAATGTCCTTCATGGTGCCCTTCACAAACAGTTCTCGAGG[C>G]TCCTTCTCTAAGGGAGGCCCCCCTACATAAAGTCTGTGCACCTCTGCCAGACTGTTGACA-3'
Protein context (NP_002684.1, residues 362-382): LYVGGPPLEK[Glu372Asp]PRELFVKGTM

ClinVar aggregate classification (germline): Uncertain significance. Review status: criteria provided, multiple submitters, no conflicts (2 of 4 stars). 2 submissions from 2 submitters: Uncertain significance (2). Last evaluated 2023-12-02.

Conditions:
Progressive sclerosing poliodystrophy (MTDPS4A). Also called: ALPERS PROGRESSIVE INFANTILE POLIODYSTROPHY; NEURONAL DEGENERATION OF CHILDHOOD WITH LIVER DISEASE, PROGRESSIVE; Mitochondrial DNA depletion syndrome 4A (Alpers type); Mitochondrial DNA Depletion Syndrome 4A; Alpers-Huttenlocher Syndrome (AHS); Alpers Syndrome. Identifiers: Orphanet 726, MedGen C0205710, MONDO:0008758, OMIM 203700.
POLG-related disorder. Also called: POLG-related condition; POLG-Related Disorders; POLG-Related Spectrum Disorders. Identifiers: MedGen C4763519.

gnomAD v4.1: 1 of 1,614,178 alleles (0.000062%); highest among the groups gnomAD compares: African/African-American, 0.0013%; no homozygotes.

Submissions (2):

Labcorp Genetics (formerly Invitae), Labcorp
Classification: Uncertain significance for Progressive sclerosing poliodystrophy. Last evaluated: 2023-12-02. Review status: criteria provided, single submitter. Criteria: Invitae Variant Classification Sherloc (09022015). Collection method: clinical testing. Allele origin: germline.
Comment: This sequence change replaces glutamic acid, which is acidic and polar, with aspartic acid, which is acidic and polar, at codon 372 of the POLG protein (p.Glu372Asp). This variant is not present in population databases (gnomAD no frequency). This variant has not been reported in the literature in individuals affected with POLG-related conditions. Advanced modeling of protein sequence and biophysical properties (such as structural, functional, and spatial information, amino acid conservation, physicochemical variation, residue mobility, and thermodynamic stability) has been performed at Invitae for this missense variant, however the output from this modeling did not meet the statistical confidence thresholds required to predict the impact of this variant on POLG protein function. In summary, the available evidence is currently insufficient to determine the role of this variant in disease. Therefore, it has been classified as a Variant of Uncertain Significance.

PreventionGenetics, part of Exact Sciences
Classification: Uncertain significance for POLG-related condition. Last evaluated: 2023-02-27. Review status: criteria provided, single submitter. Criteria: ACMG Guidelines, 2015. Collection method: clinical testing. Allele origin: germline.
Comment: The POLG c.1116G>C variant is predicted to result in the amino acid substitution p.Glu372Asp. To our knowledge, this variant has not been reported in the literature or in a large population database, indicating this variant is rare. At this time, the clinical significance of this variant is uncertain due to the absence of conclusive functional and genetic evidence.